The following is an entry in ClinVar:

NM_015030.2(FRYL):c.7689+3G>A

Gene: FRYL (FRY like transcription coactivator; minus strand). Cytogenetic location: 4p11.
Variant type: single nucleotide variant.
Coding change: c.7689+3G>A on transcript NM_015030.2 (MANE Select); 3 bases into the intron after coding-DNA position 7689, G replaced by A.
Molecular consequence: intron variant.
Genome position (GRCh38, 1-based): chr4:48,521,045, C>T on the plus strand (G>A on the coding strand, the complement: FRYL is on the minus strand). VCF-style: chr4-48521045-C-T. GRCh37 (hg19) VCF-style: chr4-48523062-C-T.
Identifiers: ClinVar variation 3730963 (VCV003730963.1).

ClinVar aggregate classification (germline): Uncertain significance (1 of 4 stars; one submission).

gnomAD v4.1: 1 of 1,606,832 alleles (0.000062%); highest among the groups gnomAD compares: Non-Finnish European, 0.000085%; no homozygotes.

Submission:

GeneDx
Classification: Uncertain significance. Last evaluated: 2024-08-10. Review status: criteria provided, single submitter. Criteria: GeneDx Variant Classification Process June 2021. Collection method: clinical testing. Allele origin: germline. Affected: yes.
Comment: Not observed at significant frequency in large population cohorts (gnomAD); In silico analysis indicates that this variant does not alter splicing; Has not been previously published as pathogenic or benign to our knowledge